The following is an entry in ClinVar:

NM_002335.4(LRP5):c.2842T>G (p.Leu948Val)

Gene: LRP5 (LDL receptor related protein 5; plus strand). Cytogenetic location: 11q13.2.
Variant type: single nucleotide variant.
Coding change: c.2842T>G on transcript NM_002335.4 (MANE Select); coding-DNA position 2842, T replaced by G.
Protein change: p.Leu948Val; replaces leucine 948 with valine.
Molecular consequence: missense variant.
Genome position (GRCh38, 1-based): chr11:68,416,342, T>G. VCF-style: chr11-68416342-T-G. GRCh37 (hg19) VCF-style: chr11-68183810-T-G.
Other names: c.1099T>G, p.Leu367Val (NM_001291902.2); short protein forms L367V, L948V.
Identifiers: ClinVar variation 2100453 (VCV002100453.4), dbSNP rs766546188, ClinGen allele CA381619653.

ClinVar aggregate classification (germline): Uncertain significance (1 of 4 stars; one submission).

Submission:

Labcorp Genetics (formerly Invitae), Labcorp
Classification: Uncertain significance. Last evaluated: 2022-02-20. Review status: criteria provided, single submitter. Criteria: Invitae Variant Classification Sherloc (09022015). Collection method: clinical testing. Allele origin: germline.
Comment: In summary, the available evidence is currently insufficient to determine the role of this variant in disease. Therefore, it has been classified as a Variant of Uncertain Significance. Algorithms developed to predict the effect of missense changes on protein structure and function (SIFT, PolyPhen-2, Align-GVGD) all suggest that this variant is likely to be disruptive. This variant has not been reported in the literature in individuals affected with LRP5-related conditions. This variant is not present in population databases (gnomAD no frequency). This sequence change replaces leucine, which is neutral and non-polar, with valine, which is neutral and non-polar, at codon 948 of the LRP5 protein (p.Leu948Val).